The following is an entry in ClinVar:

NM_000388.4(CASR):c.2785A>G (p.Arg929Gly)

Gene: CASR (calcium sensing receptor; plus strand). Cytogenetic location: 3q21.1.
Variant type: single nucleotide variant.
Coding change: c.2785A>G on transcript NM_000388.4 (MANE Select); coding-DNA position 2785, A replaced by G.
Protein change: p.Arg929Gly; replaces arginine 929 with glycine.
Molecular consequence: missense variant.
Genome position (GRCh38, 1-based): chr3:122,284,739, A>G. VCF-style: chr3-122284739-A-G. GRCh37 (hg19) VCF-style: chr3-122003586-A-G.
Other names: c.2815A>G, p.Arg939Gly (NM_001178065.2); short protein forms R929G, R939G.
Identifiers: ClinVar variation 2041473 (VCV002041473.4), dbSNP rs2473281913, ClinGen allele CA354160761.
Genomic context (GRCh38, chr3:122,284,739, plus strand): 5'-ACCCCCTCCTCCTCCATCAGCAGCAAGAGCAACAGCGAAGACCCATTCCCACAGCCCGAG[A>G]GGCAGAAGCAGCAGCAGCCGCTGGCCCTAACCCAGCAAGAGCAGCAGCAGCAGCCCCTGA-3'
Protein context (NP_000379.3, residues 919-939): NSEDPFPQPE[Arg929Gly]QKQQQPLALT

ClinVar aggregate classification (germline): Uncertain significance (1 of 4 stars; one submission).

Conditions:
Autosomal dominant hypocalcemia 1 (HYPOC1). Also called: HYPOCALCEMIA, FAMILIAL. Identifiers: MedGen C3715128, MONDO:0011013, OMIM 601198.
Familial hypocalciuric hypercalcemia (FHH). Also called: Familial benign hypercalcemia. Identifiers: Orphanet 405, MedGen C1809471, MONDO:0018458.

Allele frequency attached by ClinVar (database versions not stated): gnomAD exomes 0.00001.
gnomAD v4.1: 8 of 1,614,146 alleles (0.0005%); highest among the groups gnomAD compares: Non-Finnish European, 0.00068%; no homozygotes.

Submission:

Labcorp Genetics (formerly Invitae), Labcorp
Classification: Uncertain significance for Familial hypocalciuric hypercalcemia; Autosomal dominant hypocalcemia 1. Last evaluated: 2026-01-16. Review status: criteria provided, single submitter. Criteria: Invitae Variant Classification Sherloc (09022015). Collection method: clinical testing. Allele origin: germline.
Comment: This sequence change replaces arginine, which is basic and polar, with glycine, which is neutral and non-polar, at codon 929 of the CASR protein (p.Arg929Gly). This variant is not present in population databases (gnomAD no frequency). This variant has not been reported in the literature in individuals affected with CASR-related conditions. ClinVar contains an entry for this variant (Variation ID: 2041473). An algorithm developed to predict the effect of missense changes on protein structure and function outputs the following: PolyPhen-2: "Benign". The glycine amino acid residue is found in multiple mammalian species, which suggests that this missense change does not adversely affect protein function. In summary, the available evidence is currently insufficient to determine the role of this variant in disease. Therefore, it has been classified as a Variant of Uncertain Significance.